The following is an entry in ClinVar:

NM_001379286.1(ZNF423):c.2355G>A (p.Pro785=)

Gene: ZNF423 (zinc finger protein 423; minus strand). Cytogenetic location: 16q12.1.
Variant type: single nucleotide variant.
Coding change: c.2355G>A on transcript NM_001379286.1 (MANE Select); coding-DNA position 2355, G replaced by A.
Protein change: p.Pro785=; no amino-acid change (proline 785 retained).
Molecular consequence: synonymous variant.
Genome position (GRCh38, 1-based): chr16:49,636,821, C>T on the plus strand (G>A on the coding strand, the complement: ZNF423 is on the minus strand). VCF-style: chr16-49636821-C-T. GRCh37 (hg19) VCF-style: chr16-49670732-C-T.
Other names: c.2151G>A, p.Pro717= (NM_001271620.2); c.1980G>A, p.Pro660= (NM_001330533.2); c.2331G>A, p.Pro777= (NM_015069.5); c.2331G>A (NM_015069.4).
Identifiers: ClinVar variation 1094736 (VCV001094736.11), dbSNP rs747133481, ClinGen allele CA8046522.

ClinVar aggregate classification (germline): Likely benign. Review status: criteria provided, multiple submitters, no conflicts (2 of 4 stars). 3 submissions from 3 submitters: Likely benign (3). Last evaluated 2026-03-08.

Conditions:
ZNF423-related disorder. Also called: ZNF423-related condition.
Nephronophthisis 14 (NPHP14). Identifiers: Orphanet 2318, MedGen C3539071, MONDO:0013916, OMIM 614844.

gnomAD v4.1: 44 of 1,613,962 alleles (0.0027%); highest among the groups gnomAD compares: African/African-American, 0.011%; no homozygotes.

Submissions (3):

PreventionGenetics, part of Exact Sciences
Classification: Likely benign for ZNF423-related condition. Last evaluated: 2026-03-08. Review status: criteria provided, single submitter. Criteria: ACMG Guidelines, 2015. Collection method: clinical testing. Allele origin: germline.
Comment: This variant is classified as likely benign based on ACMG/AMP sequence variant interpretation guidelines (Richards et al. 2015 PMID: 25741868, with internal and published modifications).

Labcorp Genetics (formerly Invitae), Labcorp
Classification: Likely benign for Nephronophthisis 14. Last evaluated: 2025-09-15. Review status: criteria provided, single submitter. Criteria: Invitae Variant Classification Sherloc (09022015). Collection method: clinical testing. Allele origin: germline.

Blueprint Genetics
Classification: Likely benign. Last evaluated: 2023-08-09. Review status: criteria provided, single submitter. Criteria: ACMG Guidelines, 2015. Collection method: clinical testing. Allele origin: germline.